The following is an entry in ClinVar:

NM_000631.5(NCF4):c.617A>G (p.Asp206Gly)

Gene: NCF4 (neutrophil cytosolic factor 4; plus strand). Cytogenetic location: 22q12.3.
Variant type: single nucleotide variant.
Coding change: c.617A>G on transcript NM_000631.5 (MANE Select); coding-DNA position 617, A replaced by G.
Protein change: p.Asp206Gly; replaces aspartic acid 206 with glycine.
Molecular consequence: missense variant.
Genome position (GRCh38, 1-based): chr22:36,872,415, A>G. VCF-style: chr22-36872415-A-G. GRCh37 (hg19) VCF-style: chr22-37268457-A-G.
Other names: c.617A>G, p.Asp206Gly (NM_013416.4); short protein forms D206G.
Identifiers: ClinVar variation 2162545 (VCV002162545.2), dbSNP rs774706034, ClinGen allele CA10213096.

ClinVar aggregate classification (germline): Uncertain significance. Review status: criteria provided, multiple submitters, no conflicts (2 of 4 stars). 2 submissions from 2 submitters: Uncertain significance (2). Last evaluated 2024-07-31.

Conditions:
Granulomatous disease, chronic, autosomal recessive, cytochrome b-positive, type 3. Also called: Granulomatous disease, chronic, autosomal recessive, cytochrome b-positive, type III; GRANULOMATOUS DISEASE, CHRONIC, DUE TO NCF4 DEFICIENCY; GRANULOMATOUS DISEASE, CHRONIC, AUTOSOMAL RECESSIVE, 3; CGD, AUTOSOMAL RECESSIVE CYTOCHROME b-POSITIVE, TYPE III. Identifiers: Orphanet 379, MedGen C3151409, MONDO:0013507, OMIM 613960.

Allele frequency attached by ClinVar (database versions not stated): TOPMed below 0.00001; gnomAD 0.00001; gnomAD exomes 0.00001; ExAC 0.00003.
gnomAD v4.1: 15 of 1,608,918 alleles (0.00093%); highest among the groups gnomAD compares: South Asian, 0.0033%; no homozygotes.

Submissions (2):

Ambry Genetics
Classification: Uncertain significance. Last evaluated: 2024-07-31. Review status: criteria provided, single submitter. Criteria: Ambry Variant Classification Scheme 2023. Collection method: clinical testing. Allele origin: germline.

Labcorp Genetics (formerly Invitae), Labcorp
Classification: Uncertain significance for Granulomatous disease, chronic, autosomal recessive, cytochrome b-positive, type 3. Last evaluated: 2022-04-04. Review status: criteria provided, single submitter. Criteria: Invitae Variant Classification Sherloc (09022015). Collection method: clinical testing. Allele origin: germline.
Comment: This sequence change replaces aspartic acid, which is acidic and polar, with glycine, which is neutral and non-polar, at codon 206 of the NCF4 protein (p.Asp206Gly). This variant is present in population databases (rs774706034, gnomAD 0.004%). This variant has not been reported in the literature in individuals affected with NCF4-related conditions. Algorithms developed to predict the effect of missense changes on protein structure and function are either unavailable or do not agree on the potential impact of this missense change (SIFT: "Deleterious"; PolyPhen-2: "Benign"; Align-GVGD: "Class C0"). In summary, the available evidence is currently insufficient to determine the role of this variant in disease. Therefore, it has been classified as a Variant of Uncertain Significance.